The following is an entry in ClinVar:

NM_017934.7(PHIP):c.2635A>G (p.Ser879Gly)

Gene: PHIP (PHIP subunit of CUL4-Ring ligase complex; minus strand). Cytogenetic location: 6q14.1.
Variant type: single nucleotide variant.
Coding change: c.2635A>G on transcript NM_017934.7 (MANE Select); coding-DNA position 2635, A replaced by G.
Protein change: p.Ser879Gly; replaces serine 879 with glycine.
Molecular consequence: missense variant.
Genome position (GRCh38, 1-based): chr6:78,983,020, T>C on the plus strand (A>G on the coding strand, the complement: PHIP is on the minus strand). VCF-style: chr6-78983020-T-C. GRCh37 (hg19) VCF-style: chr6-79692737-T-C.
Other names: short protein forms S879G.
Identifiers: ClinVar variation 3344080 (VCV003344080.1).

ClinVar aggregate classification (germline): Uncertain significance (0 of 4 stars; one submission).

Conditions:
PHIP-related disorder. Also called: PHIP-related condition; PHIP-related disorders.

Submission:

PreventionGenetics, part of Exact Sciences
Classification: Uncertain significance for PHIP-related condition. Last evaluated: 2024-05-16. Review status: no assertion criteria provided. Collection method: clinical testing. Allele origin: germline.
Comment: The PHIP c.2635A>G variant is predicted to result in the amino acid substitution p.Ser879Gly. To our knowledge, this variant has not been reported in the literature or in a large population database, indicating this variant is rare. At this time, the clinical significance of this variant is uncertain due to the absence of conclusive functional and genetic evidence.